The following is an entry in ClinVar:

ClinVar aggregate classification (germline): Uncertain significance (1 of 4 stars; one submission).

gnomAD v4.1: 7 of 1,613,866 alleles (0.00043%); highest among the groups gnomAD compares: Non-Finnish European, 0.00059%; no homozygotes.

Submission:

Labcorp Genetics (formerly Invitae), Labcorp
Classification: Uncertain significance. Last evaluated: 2025-05-22. Review status: criteria provided, single submitter. Criteria: Invitae Variant Classification Sherloc (09022015). Collection method: clinical testing. Allele origin: germline.
Comment: This sequence change replaces methionine, which is neutral and non-polar, with valine, which is neutral and non-polar, at codon 220 of the INTU protein (p.Met220Val). This variant is present in population databases (rs747059059, gnomAD 0.002%). This variant has not been reported in the literature in individuals affected with INTU-related conditions. Invitae Evidence Modeling of protein sequence and biophysical properties (such as structural, functional, and spatial information, amino acid conservation, physicochemical variation, residue mobility, and thermodynamic stability) indicates that this missense variant is not expected to disrupt INTU protein function with a negative predictive value of 80%. In summary, the available evidence is currently insufficient to determine the role of this variant in disease. Therefore, it has been classified as a Variant of Uncertain Significance.

NM_015693.4(INTU):c.658A>G (p.Met220Val)

Gene: INTU (inturned planar cell polarity protein; plus strand). Cytogenetic location: 4q28.1.
Variant type: single nucleotide variant.
Coding change: c.658A>G on transcript NM_015693.4 (MANE Select); coding-DNA position 658, A replaced by G.
Protein change: p.Met220Val; replaces methionine 220 with valine.
Molecular consequence: missense variant.
Genome position (GRCh38, 1-based): chr4:127,644,032, A>G. VCF-style: chr4-127644032-A-G. GRCh37 (hg19) VCF-style: chr4-128565187-A-G.
Other names: short protein forms M220V.
Identifiers: ClinVar variation 4750970 (VCV004750970.1).